The following is an entry in ClinVar:

NC_000011.10:g.44109194del

Gene: EXT2 (exostosin glycosyltransferase 2; plus strand). Cytogenetic location: 11p11.2.
Variant type: Deletion.
Genome position: GRCh38 VCF-style: chr11-44109192-AG-A. GRCh37 (hg19) VCF-style: chr11-44130742-AG-A.
Identifiers: ClinVar variation 2171222 (VCV002171222.4), dbSNP rs774168080, ClinGen allele CA5954928.

ClinVar aggregate classification (germline): Pathogenic (1 of 4 stars; one submission).

Conditions:
Exostoses, multiple, type 2 (EXT2). Also called: Hereditary Multiple Osteochondromatosis, Type II; EXOSTOSES, MULTIPLE, TYPE II. Identifiers: Orphanet 321, MedGen C1851413, MONDO:0007586, OMIM 133701.

Submission:

Labcorp Genetics (formerly Invitae), Labcorp
Classification: Pathogenic for Exostoses, multiple, type 2. Last evaluated: 2022-08-09. Review status: criteria provided, single submitter. Criteria: Invitae Variant Classification Sherloc (09022015). Collection method: clinical testing. Allele origin: germline.
Comment: For these reasons, this variant has been classified as Pathogenic. Algorithms developed to predict the effect of sequence changes on RNA splicing suggest that this variant may disrupt the consensus splice site. This variant has not been reported in the literature in individuals affected with EXT2-related conditions. This variant is present in population databases (rs774168080, gnomAD 0.007%). This sequence change creates a premature translational stop signal (p.Arg179Serfs*91) in the EXT2 gene. It is expected to result in an absent or disrupted protein product. Loss-of-function variants in EXT2 are known to be pathogenic (PMID: 10679937, 19810120).

Literature cited by the submitters: PubMed 10679937; PubMed 19810120.